The following is an entry in ClinVar:

NM_003664.5(AP3B1):c.2726C>T (p.Thr909Ile)

Gene: AP3B1 (adaptor related protein complex 3 subunit beta 1; minus strand). Cytogenetic location: 5q14.1.
Variant type: single nucleotide variant.
Coding change: c.2726C>T on transcript NM_003664.5 (MANE Select); coding-DNA position 2726, C replaced by T.
Protein change: p.Thr909Ile; replaces threonine 909 with isoleucine.
Molecular consequence: missense variant.
Genome position (GRCh38, 1-based): chr5:78,039,126, G>A on the plus strand (C>T on the coding strand, the complement: AP3B1 is on the minus strand). VCF-style: chr5-78039126-G-A. GRCh37 (hg19) VCF-style: chr5-77334950-G-A.
Other names: c.2579C>T, p.Thr860Ile (NM_001271769.2); short protein forms T860I, T909I.
Identifiers: ClinVar variation 1380906 (VCV001380906.5), dbSNP rs1747940185, ClinGen allele CA360332019.
Genomic context (GRCh38, chr5:78,039,126, plus strand): 5'-TTCATGCCTATAGGAAGTTTTTTTTCCCCTATGTGGATATTTTCTATCTTTCGATCAGTA[G>A]TGTTATTCAGTGTTATTTGTATAGAGACCATCTTATCACCAAAAATGCAAGGCTGTCTTG-3'
Protein context (NP_003655.3, residues 899-919): MVSIQITLNN[Thr909Ile]TDRKIENIHI

ClinVar aggregate classification (germline): Uncertain significance (1 of 4 stars; one submission).

Conditions:
Hermansky-Pudlak syndrome 2 (HPS2). Also called: Platelet defects and oculocutaneous albinism. Identifiers: Orphanet 183678, Orphanet 79430, MedGen C1842362, MONDO:0011997, OMIM 608233.

Allele frequency attached by ClinVar (database versions not stated): gnomAD exomes below 0.00001.
gnomAD v4.1: 1 of 1,613,464 alleles (0.000062%); highest among the groups gnomAD compares: Non-Finnish European, 0.000085%; no homozygotes.

Submission:

Labcorp Genetics (formerly Invitae), Labcorp
Classification: Uncertain significance for Hermansky-Pudlak syndrome 2. Last evaluated: 2022-04-28. Review status: criteria provided, single submitter. Criteria: Invitae Variant Classification Sherloc (09022015). Collection method: clinical testing. Allele origin: germline.
Comment: Algorithms developed to predict the effect of missense changes on protein structure and function are either unavailable or do not agree on the potential impact of this missense change (SIFT: "Tolerated"; PolyPhen-2: "Possibly Damaging"; Align-GVGD: "Class C0"). This variant has not been reported in the literature in individuals affected with AP3B1-related conditions. This variant is not present in population databases (gnomAD no frequency). This sequence change replaces threonine, which is neutral and polar, with isoleucine, which is neutral and non-polar, at codon 909 of the AP3B1 protein (p.Thr909Ile). In summary, the available evidence is currently insufficient to determine the role of this variant in disease. Therefore, it has been classified as a Variant of Uncertain Significance.